The following is an entry in ClinVar:

NM_031935.3(HMCN1):c.12223G>A (p.Val4075Ile)

Gene: HMCN1 (hemicentin 1; plus strand). Cytogenetic location: 1q31.1.
Variant type: single nucleotide variant.
Coding change: c.12223G>A on transcript NM_031935.3 (MANE Select); coding-DNA position 12223, G replaced by A.
Protein change: p.Val4075Ile; replaces valine 4075 with isoleucine.
Molecular consequence: missense variant.
Genome position (GRCh38, 1-based): chr1:186,120,139, G>A. VCF-style: chr1-186120139-G-A. GRCh37 (hg19) VCF-style: chr1-186089271-G-A.
Other names: short protein forms V4075I.
Identifiers: ClinVar variation 3615732 (VCV003615732.2).

ClinVar aggregate classification (germline): Uncertain significance (1 of 4 stars; one submission).

gnomAD v4.1: 7 of 1,613,614 alleles (0.00043%); highest among the groups gnomAD compares: African/African-American, 0.004%; no homozygotes.

Submission:

Labcorp Genetics (formerly Invitae), Labcorp
Classification: Uncertain significance. Last evaluated: 2025-04-02. Review status: criteria provided, single submitter. Criteria: Invitae Variant Classification Sherloc (09022015). Collection method: clinical testing. Allele origin: germline.
Comment: This sequence change replaces valine, which is neutral and non-polar, with isoleucine, which is neutral and non-polar, at codon 4075 of the HMCN1 protein (p.Val4075Ile). This variant is present in population databases (rs142005036, gnomAD 0.007%). This variant has not been reported in the literature in individuals affected with HMCN1-related conditions. ClinVar contains an entry for this variant (Variation ID: 3615732). An algorithm developed to predict the effect of missense changes on protein structure and function outputs the following: PolyPhen-2: "Benign". The isoleucine amino acid residue is found in multiple mammalian species, which suggests that this missense change does not adversely affect protein function. In summary, the available evidence is currently insufficient to determine the role of this variant in disease. Therefore, it has been classified as a Variant of Uncertain Significance.